The following is an entry in ClinVar:

ClinVar aggregate classification (germline): Uncertain significance (1 of 4 stars; one submission).

Submission:

Labcorp Genetics (formerly Invitae), Labcorp
Classification: Uncertain significance. Last evaluated: 2022-06-27. Review status: criteria provided, single submitter. Criteria: Invitae Variant Classification Sherloc (09022015). Collection method: clinical testing. Allele origin: germline.
Comment: This variant has not been reported in the literature in individuals affected with LRP5-related conditions. In summary, the available evidence is currently insufficient to determine the role of this variant in disease. Therefore, it has been classified as a Variant of Uncertain Significance. Advanced modeling of protein sequence and biophysical properties (such as structural, functional, and spatial information, amino acid conservation, physicochemical variation, residue mobility, and thermodynamic stability) performed at Invitae indicates that this missense variant is expected to disrupt LRP5 protein function. This variant is not present in population databases (gnomAD no frequency). This sequence change replaces isoleucine, which is neutral and non-polar, with phenylalanine, which is neutral and non-polar, at codon 355 of the LRP5 protein (p.Ile355Phe).

NM_002335.4(LRP5):c.1063A>T (p.Ile355Phe)

Gene: LRP5 (LDL receptor related protein 5; plus strand). Cytogenetic location: 11q13.2.
Variant type: single nucleotide variant.
Coding change: c.1063A>T on transcript NM_002335.4 (MANE Select); coding-DNA position 1063, A replaced by T.
Protein change: p.Ile355Phe; replaces isoleucine 355 with phenylalanine.
Molecular consequence: missense variant. On other transcripts: 5 prime UTR variant (1).
Genome position (GRCh38, 1-based): chr11:68,386,363, A>T. VCF-style: chr11-68386363-A-T. GRCh37 (hg19) VCF-style: chr11-68153831-A-T.
Other names: c.-703A>T (NM_001291902.2); short protein forms I355F.
Identifiers: ClinVar variation 1346511 (VCV001346511.6), dbSNP rs1211106680, ClinGen allele CA381612156.